The following is an entry in ClinVar:

NM_000388.4(CASR):c.1574A>C (p.Glu525Ala)

Gene: CASR (calcium sensing receptor; plus strand). Cytogenetic location: 3q21.1.
Variant type: single nucleotide variant.
Coding change: c.1574A>C on transcript NM_000388.4 (MANE Select); coding-DNA position 1574, A replaced by C.
Protein change: p.Glu525Ala; replaces glutamic acid 525 with alanine.
Molecular consequence: missense variant.
Genome position (GRCh38, 1-based): chr3:122,276,008, A>C. VCF-style: chr3-122276008-A-C. GRCh37 (hg19) VCF-style: chr3-121994855-A-C.
Other names: c.1574A>C, p.Glu525Ala (NM_001178065.2); short protein forms E525A.
Identifiers: ClinVar variation 2033544 (VCV002033544.4), dbSNP rs200470956, ClinGen allele CA354155492.

ClinVar aggregate classification (germline): Uncertain significance (1 of 4 stars; one submission).

Conditions:
Familial hypocalciuric hypercalcemia (FHH). Also called: Familial benign hypercalcemia. Identifiers: Orphanet 405, MedGen C1809471, MONDO:0018458.
Autosomal dominant hypocalcemia 1 (HYPOC1). Also called: HYPOCALCEMIA, FAMILIAL. Identifiers: MedGen C3715128, MONDO:0011013, OMIM 601198.

Allele frequency attached by ClinVar (database versions not stated): gnomAD exomes below 0.00001.
gnomAD v4.1: 2 of 1,613,752 alleles (0.00012%); no homozygotes.

Submission:

Labcorp Genetics (formerly Invitae), Labcorp
Classification: Uncertain significance for Familial hypocalciuric hypercalcemia; Autosomal dominant hypocalcemia 1. Last evaluated: 2021-12-05. Review status: criteria provided, single submitter. Criteria: Invitae Variant Classification Sherloc (09022015). Collection method: clinical testing. Allele origin: germline.
Comment: Algorithms developed to predict the effect of missense changes on protein structure and function are either unavailable or do not agree on the potential impact of this missense change (SIFT: "Deleterious"; PolyPhen-2: "Benign"; Align-GVGD: "Class C25"). In summary, the available evidence is currently insufficient to determine the role of this variant in disease. Therefore, it has been classified as a Variant of Uncertain Significance. This variant has not been reported in the literature in individuals affected with CASR-related conditions. This variant is not present in population databases (gnomAD no frequency). This sequence change replaces glutamic acid, which is acidic and polar, with alanine, which is neutral and non-polar, at codon 525 of the CASR protein (p.Glu525Ala).